The following is an entry in ClinVar:

NM_001211.6(BUB1B):c.163C>G (p.Leu55Val)

Gene: BUB1B (BUB1 mitotic checkpoint serine/threonine kinase B; plus strand). Cytogenetic location: 15q15.1.
Variant type: single nucleotide variant.
Coding change: c.163C>G on transcript NM_001211.6 (MANE Select); coding-DNA position 163, C replaced by G.
Protein change: p.Leu55Val; replaces leucine 55 with valine.
Molecular consequence: missense variant.
Genome position (GRCh38, 1-based): chr15:40,165,180, C>G. VCF-style: chr15-40165180-C-G. GRCh37 (hg19) VCF-style: chr15-40457381-C-G.
Other names: short protein forms L55V.
Identifiers: ClinVar variation 937008 (VCV000937008.14), dbSNP rs2037081264, ClinGen allele CA391677304.

ClinVar aggregate classification (germline): Uncertain significance. Review status: criteria provided, multiple submitters, no conflicts (2 of 4 stars). 2 submissions from 2 submitters: Uncertain significance (2). Last evaluated 2025-12-08.

Conditions:
Inborn genetic diseases. Identifiers: MedGen C0950123, MeSH D030342.
Mosaic variegated aneuploidy syndrome 1 (MVA1). Also called: Warburton-Anyane-Yeboa syndrome. Identifiers: Orphanet 1052, MedGen C1850343, MONDO:0009759, OMIM 257300.

Submissions (2):

Labcorp Genetics (formerly Invitae), Labcorp
Classification: Uncertain significance for Mosaic variegated aneuploidy syndrome 1. Last evaluated: 2025-12-08. Review status: criteria provided, single submitter. Criteria: Invitae Variant Classification Sherloc (09022015). Collection method: clinical testing. Allele origin: germline.
Comment: This sequence change replaces leucine, which is neutral and non-polar, with valine, which is neutral and non-polar, at codon 55 of the BUB1B protein (p.Leu55Val). This variant is not present in population databases (gnomAD no frequency). This variant has not been reported in the literature in individuals affected with BUB1B-related conditions. ClinVar contains an entry for this variant (Variation ID: 937008). An algorithm developed to predict the effect of missense changes on protein structure and function (PolyPhen-2) suggests that this variant is likely to be tolerated. In summary, the available evidence is currently insufficient to determine the role of this variant in disease. Therefore, it has been classified as a Variant of Uncertain Significance.

Ambry Genetics
Classification: Uncertain significance for Inborn genetic diseases. Last evaluated: 2024-06-03. Review status: criteria provided, single submitter. Criteria: Ambry Variant Classification Scheme 2023. Collection method: clinical testing. Allele origin: germline.
Comment: The p.L55V variant (also known as c.163C>G), located in coding exon 2 of the BUB1B gene, results from a C to G substitution at nucleotide position 163. The leucine at codon 55 is replaced by valine, an amino acid with highly similar properties. This amino acid position is conserved. In addition, this alteration is predicted to be tolerated by in silico analysis. Since supporting evidence is limited at this time, the clinical significance of this alteration remains unclear.